The following is an entry in ClinVar:

ClinVar aggregate classification (germline): Uncertain significance (1 of 4 stars; one submission).

Submission:

Labcorp Genetics (formerly Invitae), Labcorp
Classification: Uncertain significance. Last evaluated: 2024-05-09. Review status: criteria provided, single submitter. Criteria: Invitae Variant Classification Sherloc (09022015). Collection method: clinical testing. Allele origin: germline.
Comment: This sequence change replaces glycine, which is neutral and non-polar, with serine, which is neutral and polar, at codon 385 of the LRP5 protein (p.Gly385Ser). This variant is not present in population databases (gnomAD no frequency). This variant has not been reported in the literature in individuals affected with LRP5-related conditions. Advanced modeling of protein sequence and biophysical properties (such as structural, functional, and spatial information, amino acid conservation, physicochemical variation, residue mobility, and thermodynamic stability) has been performed at Invitae for this missense variant, however the output from this modeling did not meet the statistical confidence thresholds required to predict the impact of this variant on LRP5 protein function. In summary, the available evidence is currently insufficient to determine the role of this variant in disease. Therefore, it has been classified as a Variant of Uncertain Significance.

NM_002335.4(LRP5):c.1153G>A (p.Gly385Ser)

Gene: LRP5 (LDL receptor related protein 5; plus strand). Cytogenetic location: 11q13.2.
Variant type: single nucleotide variant.
Coding change: c.1153G>A on transcript NM_002335.4 (MANE Select); coding-DNA position 1153, G replaced by A.
Protein change: p.Gly385Ser; replaces glycine 385 with serine.
Molecular consequence: missense variant. On other transcripts: 5 prime UTR variant (1).
Genome position (GRCh38, 1-based): chr11:68,386,453, G>A. VCF-style: chr11-68386453-G-A. GRCh37 (hg19) VCF-style: chr11-68153921-G-A.
Other names: c.-613G>A (NM_001291902.2); short protein forms G385S.
Identifiers: ClinVar variation 3634231 (VCV003634231.2).